The following is an entry in ClinVar:

ClinVar aggregate classification (germline): Likely benign (1 of 4 stars; one submission).

gnomAD v4.1: 1 of 1,609,800 alleles (0.000062%); highest among the groups gnomAD compares: South Asian, 0.0011%; no homozygotes.

Submission:

GeneDx
Classification: Likely benign. Last evaluated: 2016-08-31. Review status: criteria provided, single submitter. Criteria: GeneDx Variant Classification (06012015). Collection method: clinical testing. Allele origin: germline. Affected: yes.
Comment: This variant is considered likely benign or benign based on one or more of the following criteria: it is a conservative change, it occurs at a poorly conserved position in the protein, it is predicted to be benign by multiple in silico algorithms, and/or has population frequency not consistent with disease.

NM_000264.5(PTCH1):c.945+9C>T

Gene: PTCH1 (patched 1; minus strand). Cytogenetic location: 9q22.32.
Variant type: single nucleotide variant.
Coding change: c.945+9C>T on transcript NM_000264.5 (MANE Select); 9 bases into the intron after coding-DNA position 945, C replaced by T.
Molecular consequence: intron variant.
Genome position (GRCh38, 1-based): chr9:95,480,381, G>A on the plus strand (C>T on the coding strand, the complement: PTCH1 is on the minus strand). VCF-style: chr9-95480381-G-A. GRCh37 (hg19) VCF-style: chr9-98242663-G-A.
Other names: c.942+9C>T (NM_001083603.3); c.747+9C>T (NM_001083602.3); c.945+9C>T (NM_001354918.2); c.492+9C>T (NM_001083605.3, NM_001083604.3, NM_001083606.3 and 1 more transcripts).
Identifiers: ClinVar variation 389025 (VCV000389025.1), dbSNP rs878853860, ClinGen allele CA16605778.